The following is an entry in ClinVar:

NM_013432.5(TONSL):c.1095G>A (p.Met365Ile)

Gene: TONSL (tonsoku like, DNA repair protein; minus strand). Cytogenetic location: 8q24.3.
Variant type: single nucleotide variant.
Coding change: c.1095G>A on transcript NM_013432.5 (MANE Select); coding-DNA position 1095, G replaced by A.
Protein change: p.Met365Ile; replaces methionine 365 with isoleucine.
Molecular consequence: missense variant.
Genome position (GRCh38, 1-based): chr8:144,440,787, C>T on the plus strand (G>A on the coding strand, the complement: TONSL is on the minus strand). VCF-style: chr8-144440787-C-T. GRCh37 (hg19) VCF-style: chr8-145666170-C-T.
Other names: c.1095G>A (NM_013432.4); short protein forms M365I.
Identifiers: ClinVar variation 1476540 (VCV001476540.5), dbSNP rs201856507, ClinGen allele CA4943395.

ClinVar aggregate classification (germline): Uncertain significance. Review status: criteria provided, multiple submitters, no conflicts (2 of 4 stars). 2 submissions from 2 submitters: Uncertain significance (2). Last evaluated 2024-10-24.

Conditions:
Inborn genetic diseases. Identifiers: MedGen C0950123, MeSH D030342.

Allele frequency attached by ClinVar (database versions not stated): gnomAD exomes 0.00001; ExAC 0.00002; TOPMed 0.00003; gnomAD 0.00004 and 0.00005; ESP Exome Variant Server 0.00015; 1000 Genomes Project 30x 0.00016; 1000 Genomes Project 0.00020.
gnomAD v4.1: 20 of 1,612,972 alleles (0.0012%); highest among the groups gnomAD compares: African/African-American, 0.016%; no homozygotes.

Submissions (2):

Ambry Genetics
Classification: Uncertain significance for Inborn genetic diseases. Last evaluated: 2024-10-24. Review status: criteria provided, single submitter. Criteria: Ambry Variant Classification Scheme 2023. Collection method: clinical testing. Allele origin: germline.

Labcorp Genetics (formerly Invitae), Labcorp
Classification: Uncertain significance. Last evaluated: 2021-08-08. Review status: criteria provided, single submitter. Criteria: Invitae Variant Classification Sherloc (09022015). Collection method: clinical testing. Allele origin: germline.
Comment: In summary, the available evidence is currently insufficient to determine the role of this variant in disease. Therefore, it has been classified as a Variant of Uncertain Significance. This sequence change replaces methionine with isoleucine at codon 365 of the TONSL protein (p.Met365Ile). The methionine residue is highly conserved and there is a small physicochemical difference between methionine and isoleucine. This variant is present in population databases (rs201856507, ExAC 0.02%). This variant has not been reported in the literature in individuals affected with TONSL-related conditions. Algorithms developed to predict the effect of missense changes on protein structure and function are either unavailable or do not agree on the potential impact of this missense change (SIFT: "Tolerated"; PolyPhen-2: "Possibly Damaging"; Align-GVGD: "Class C0").